The following is an entry in ClinVar:

ClinVar aggregate classification (germline): Uncertain significance. Review status: criteria provided, multiple submitters, no conflicts (2 of 4 stars). 2 submissions from 2 submitters: Uncertain significance (2). Last evaluated 2025-12-08.

Allele frequency attached by ClinVar (database versions not stated): gnomAD 0.00001; gnomAD exomes 0.00001; TOPMed 0.00001; ExAC 0.00006.
gnomAD v4.1: 21 of 1,601,518 alleles (0.0013%); highest among the groups gnomAD compares: Non-Finnish European, 0.0017%; no homozygotes.

Submissions (2):

Labcorp Genetics (formerly Invitae), Labcorp
Classification: Uncertain significance. Last evaluated: 2025-12-08. Review status: criteria provided, single submitter. Criteria: Invitae Variant Classification Sherloc (09022015). Collection method: clinical testing. Allele origin: germline.
Comment: This sequence change replaces arginine, which is basic and polar, with cysteine, which is neutral and slightly polar, at codon 4 of the DEF6 protein (p.Arg4Cys). The frequency data for this variant in the population databases is considered unreliable, as metrics indicate poor data quality at this position in the gnomAD database. This variant has not been reported in the literature in individuals affected with DEF6-related conditions. ClinVar contains an entry for this variant (Variation ID: 1911872). An algorithm developed to predict the effect of missense changes on protein structure and function (PolyPhen-2) suggests that this variant is likely to be disruptive. In summary, the available evidence is currently insufficient to determine the role of this variant in disease. Therefore, it has been classified as a Variant of Uncertain Significance.

Ambry Genetics
Classification: Uncertain significance. Last evaluated: 2025-10-30. Review status: criteria provided, single submitter. Criteria: Ambry Variant Classification Scheme 2023. Collection method: clinical testing. Allele origin: germline.

NM_022047.4(DEF6):c.10C>T (p.Arg4Cys)

Gene: DEF6 (DEF6 guanine nucleotide exchange factor; plus strand). Cytogenetic location: 6p21.31.
Variant type: single nucleotide variant.
Coding change: c.10C>T on transcript NM_022047.4 (MANE Select); coding-DNA position 10, C replaced by T.
Protein change: p.Arg4Cys; replaces arginine 4 with cysteine.
Molecular consequence: missense variant.
Genome position (GRCh38, 1-based): chr6:35,297,866, C>T. VCF-style: chr6-35297866-C-T. GRCh37 (hg19) VCF-style: chr6-35265643-C-T.
Other names: c.10C>T (NM_022047.3); short protein forms R4C.
Identifiers: ClinVar variation 1911872 (VCV001911872.6), dbSNP rs760852332, ClinGen allele CA3770616.
Genomic context (GRCh38, chr6:35,297,866, plus strand): 5'-AAACCGGATCTTAGTGTCAGAGCCGCCCCCAGCCGGGCGGGCGCCTCAGCCATGGCCCTG[C>T]GCAAGGAACTGCTCAAGTCCATCTGGTACGCCTTTACCGCGCTGGACGTGGAGAAGAGTG-3'
Protein context (NP_071330.3, residues 1-14): MAL[Arg4Cys]KELLKSIWYA